The following is an entry in ClinVar:

ClinVar aggregate classification (germline): Uncertain significance (1 of 4 stars; one submission).

Conditions:
Inborn genetic diseases. Identifiers: MedGen C0950123, MeSH D030342.

gnomAD v4.1: 2 of 1,613,510 alleles (0.00012%); highest among the groups gnomAD compares: Non-Finnish European, 0.00017%; no homozygotes.

Submission:

Ambry Genetics
Classification: Uncertain significance for Inborn genetic diseases. Last evaluated: 2022-01-30. Review status: criteria provided, single submitter. Criteria: Ambry Variant Classification Scheme 2023. Collection method: clinical testing. Allele origin: germline.
Comment: The p.T788S variant (also known as c.2363C>G), located in coding exon 20 of the DNM2 gene, results from a C to G substitution at nucleotide position 2363. The threonine at codon 788 is replaced by serine, an amino acid with similar properties. This amino acid position is conserved. In addition, this alteration is predicted to be tolerated by in silico analysis. Since supporting evidence is limited at this time, the clinical significance of this alteration remains unclear.

NM_001005361.3(DNM2):c.2363C>G (p.Thr788Ser)

Gene: DNM2 (dynamin 2; plus strand). Cytogenetic location: 19p13.2.
Variant type: single nucleotide variant.
Coding change: c.2363C>G on transcript NM_001005361.3 (MANE Select); coding-DNA position 2363, C replaced by G.
Protein change: p.Thr788Ser; replaces threonine 788 with serine.
Molecular consequence: missense variant.
Genome position (GRCh38, 1-based): chr19:10,830,198, C>G. VCF-style: chr19-10830198-C-G. GRCh37 (hg19) VCF-style: chr19-10940874-C-G.
Other names: c.2363C>G, p.Thr788Ser (NM_001005360.3, NM_001190716.2); c.2351C>G, p.Thr784Ser (NM_001005362.3, NM_004945.4); short protein forms T784S, T788S.
Identifiers: ClinVar variation 1790185 (VCV001790185.2), dbSNP rs763624831, ClinGen allele CA404043802.